The following is an entry in ClinVar:

ClinVar aggregate classification (germline): Uncertain significance (1 of 4 stars; one submission).

Conditions:
HSD17B4-related disorder. Also called: HSD17B4-related disorders; HSD17B4-related condition.

Submission:

PreventionGenetics, part of Exact Sciences
Classification: Uncertain significance for HSD17B4-related condition. Last evaluated: 2026-04-19. Review status: criteria provided, single submitter. Criteria: ACMG Guidelines, 2015. Collection method: clinical testing. Allele origin: germline.
Comment: The HSD17B4 c.1045C>G variant is predicted to result in the amino acid substitution p.Leu349Val. To our knowledge, this variant has not been reported in the literature or in a large population database (gnomAD), indicating this variant is rare. At this time, the clinical significance of this variant is uncertain due to the absence of conclusive functional and genetic evidence.

NM_000414.4(HSD17B4):c.1045C>G (p.Leu349Val)

Gene: HSD17B4 (hydroxysteroid 17-beta dehydrogenase 4; plus strand). Cytogenetic location: 5q23.1.
Variant type: single nucleotide variant.
Coding change: c.1045C>G on transcript NM_000414.4 (MANE Select); coding-DNA position 1045, C replaced by G.
Protein change: p.Leu349Val; replaces leucine 349 with valine.
Molecular consequence: missense variant. On other transcripts: non-coding transcript variant (2).
Genome position (GRCh38, 1-based): chr5:119,499,389, C>G. VCF-style: chr5-119499389-C-G. GRCh37 (hg19) VCF-style: chr5-118835084-C-G.
Other names: c.1120C>G, p.Leu374Val (NM_001199291.3); c.991C>G, p.Leu331Val (NM_001199292.2); c.973C>G, p.Leu325Val (NM_001292027.2); c.625C>G, p.Leu209Val (NM_001292028.2); c.1036C>G, p.Leu346Val (NM_001374497.1); c.1045C>G, p.Leu349Val (NM_001374498.1); c.718C>G, p.Leu240Val (NM_001374499.1); c.604C>G, p.Leu202Val (NM_001374500.1); and 1 more; short protein forms L202V, L325V, L346V, L349V, L212V, L374V, L209V, L240V.
Identifiers: ClinVar variation 4988664 (VCV004988664.1).